The following is an entry in ClinVar:

NM_182914.3(SYNE2):c.15092C>A (p.Ala5031Glu)

Gene: SYNE2 (spectrin repeat containing nuclear envelope protein 2; plus strand). Cytogenetic location: 14q23.2.
Variant type: single nucleotide variant.
Coding change: c.15092C>A on transcript NM_182914.3 (MANE Select); coding-DNA position 15092, C replaced by A.
Protein change: p.Ala5031Glu; replaces alanine 5031 with glutamic acid.
Molecular consequence: missense variant.
Genome position (GRCh38, 1-based): chr14:64,141,456, C>A. VCF-style: chr14-64141456-C-A. GRCh37 (hg19) VCF-style: chr14-64608174-C-A.
Other names: c.15092C>A, p.Ala5031Glu (NM_015180.6); short protein forms A5031E.
Identifiers: ClinVar variation 842037 (VCV000842037.1), dbSNP rs2098138765, ClinGen allele CA389940437.
Genomic context (GRCh38, chr14:64,141,456, plus strand): 5'-TCGGGAACCAGCTTCTTCACCTGAAAGAAACTGATACAGCTACACTGAGAGCTTCTTTAG[C>A]ACAGTTTGAACAAAAATGGACAATGCTCATAACTCAACTTCCAGATATTCAAGAAAAACT-3'
Protein context (NP_878918.2, residues 5021-5041): TDTATLRASL[Ala5031Glu]QFEQKWTMLI

ClinVar aggregate classification (germline): Uncertain significance (1 of 4 stars; one submission).

Conditions:
Emery-Dreifuss muscular dystrophy 5, autosomal dominant (EDMD5). Also called: EMERY-DREIFUSS MUSCULAR DYSTROPHY 5. Identifiers: Orphanet 261, MedGen C2751805, MONDO:0013072, OMIM 612999.

Allele frequency attached by ClinVar (database versions not stated): gnomAD exomes below 0.00001; TOPMed below 0.00001.
gnomAD v4.1: 1 of 1,614,090 alleles (0.000062%); highest among the groups gnomAD compares: Non-Finnish European, 0.000085%; no homozygotes.

Submission:

Labcorp Genetics (formerly Invitae), Labcorp
Classification: Uncertain significance for Emery-Dreifuss muscular dystrophy 5, autosomal dominant. Last evaluated: 2019-12-09. Review status: criteria provided, single submitter. Criteria: Invitae Variant Classification Sherloc (09022015). Collection method: clinical testing. Allele origin: germline.
Comment: This sequence change replaces alanine with glutamic acid at codon 5031 of the SYNE2 protein (p.Ala5031Glu). The alanine residue is moderately conserved and there is a moderate physicochemical difference between alanine and glutamic acid. This variant is not present in population databases (ExAC no frequency). This variant has not been reported in the literature in individuals with SYNE2-related conditions. Algorithms developed to predict the effect of missense changes on protein structure and function are either unavailable or do not agree on the potential impact of this missense change (SIFT: "Tolerated"; PolyPhen-2: "Probably Damaging"; Align-GVGD: "Class C0"). In summary, the available evidence is currently insufficient to determine the role of this variant in disease. Therefore, it has been classified as a Variant of Uncertain Significance.